The following is an entry in ClinVar:

ClinVar aggregate classification (germline): Pathogenic (1 of 4 stars; one submission).

Submission:

Labcorp Genetics (formerly Invitae), Labcorp
Classification: Pathogenic. Last evaluated: 2022-08-13. Review status: criteria provided, single submitter. Criteria: Invitae Variant Classification Sherloc (09022015). Collection method: clinical testing. Allele origin: germline.
Comment: For these reasons, this variant has been classified as Pathogenic. This variant has not been reported in the literature in individuals affected with NSD1-related conditions. This variant is not present in population databases (gnomAD no frequency). This sequence change creates a premature translational stop signal (p.Asn841Alafs*2) in the NSD1 gene. It is expected to result in an absent or disrupted protein product. Loss-of-function variants in NSD1 are known to be pathogenic (PMID: 12464997, 14571271, 15942875, 16247291).

Literature cited by the submitters: PubMed 12464997; PubMed 14571271; PubMed 15942875; PubMed 16247291.

NM_022455.5(NSD1):c.2520_2524del (p.Asn841fs)

Gene: NSD1 (nuclear receptor binding SET domain protein 1; plus strand). Cytogenetic location: 5q35.3.
Variant type: Deletion.
Coding change: c.2520_2524del on transcript NM_022455.5 (MANE Select); coding-DNA positions 2520 to 2524, 5 bases deleted (CAATA; older notation c.2520_2524delCAATA).
Protein change: p.Asn841fs; shifts the reading frame from asparagine 841.
Molecular consequence: frameshift variant.
Genome position (GRCh38, 1-based): chr5:177,210,919-177,210,923, CAATA deleted; deleting any 5 consecutive bases within chr5:177,210,918-177,210,923 gives the same sequence; the c. name uses the placement nearest the transcript's 3' end. VCF-style (leftmost placement, unchanged base first): chr5-177210917-AACAAT-A. GRCh37 (hg19) VCF-style: chr5-176637918-AACAAT-A.
Other names: c.1647_1651delCAATA, p.Asn550Alafs (NM_001365684.2, NM_001409306.1, NM_001409307.1 and 3 more transcripts); c.2520_2524delCAATA, p.Asn841Alafs (NM_001409301.1, NM_001409302.1, NM_001409303.1); c.2100_2104delCAATA, p.Asn701Alafs (NM_001409304.1); c.1767_1771delCAATA, p.Asn590Alafs (NM_001409305.1); short protein forms N572fs, N841fs.
Identifiers: ClinVar variation 2024105 (VCV002024105.4), dbSNP rs2480455720, ClinGen allele CA2580074116.
Genomic context (GRCh38, chr5:177,210,917, plus strand): 5'-AAAGGCTCTCCTTTGGCCAGCATTTCTAAAAGTGGGAAAGTGGATGGTCTAAAACTACTG[AACAAT>A]ATGCATGAGAAAACCAGGGATTCAAGTGACATAGAAACAGCAGTGGTGAAACATGTTTTA-3'